The following is an entry in ClinVar:

ClinVar aggregate classification (germline): Uncertain significance (1 of 4 stars; one submission).

gnomAD v4.1: 2 of 1,614,052 alleles (0.00012%); highest among the groups gnomAD compares: Non-Finnish European, 0.00017%; no homozygotes.

Submission:

Labcorp Genetics (formerly Invitae), Labcorp
Classification: Uncertain significance. Last evaluated: 2024-12-09. Review status: criteria provided, single submitter. Criteria: Invitae Variant Classification Sherloc (09022015). Collection method: clinical testing. Allele origin: germline.
Comment: This sequence change replaces proline, which is neutral and non-polar, with leucine, which is neutral and non-polar, at codon 3480 of the ANK3 protein (p.Pro3480Leu). This variant is not present in population databases (gnomAD no frequency). This variant has not been reported in the literature in individuals affected with ANK3-related conditions. Invitae Evidence Modeling of protein sequence and biophysical properties (such as structural, functional, and spatial information, amino acid conservation, physicochemical variation, residue mobility, and thermodynamic stability) indicates that this missense variant is expected to disrupt ANK3 protein function with a positive predictive value of 80%. In summary, the available evidence is currently insufficient to determine the role of this variant in disease. Therefore, it has been classified as a Variant of Uncertain Significance.

NM_020987.5(ANK3):c.10439C>T (p.Pro3480Leu)

Gene: ANK3 (ankyrin 3; minus strand). Cytogenetic location: 10q21.2.
Variant type: single nucleotide variant.
Coding change: c.10439C>T on transcript NM_020987.5 (MANE Select); coding-DNA position 10439, C replaced by T.
Protein change: p.Pro3480Leu; replaces proline 3480 with leucine.
Molecular consequence: missense variant. On other transcripts: intron variant (4).
Genome position (GRCh38, 1-based): chr10:60,070,442, G>A on the plus strand (C>T on the coding strand, the complement: ANK3 is on the minus strand). VCF-style: chr10-60070442-G-A. GRCh37 (hg19) VCF-style: chr10-61830200-G-A.
Other names: c.4388-2433C>T (NM_001204403.2); c.4409-2433C>T (NM_001204404.2); c.4406-2433C>T (NM_001320874.2); c.1808-2433C>T (NM_001149.4); short protein forms P3480L.
Identifiers: ClinVar variation 3657337 (VCV003657337.2).